The following is an entry in ClinVar:

ClinVar aggregate classification (germline): Uncertain significance. Review status: criteria provided, multiple submitters, no conflicts (2 of 4 stars). 2 submissions from 2 submitters: Uncertain significance (2). Last evaluated 2025-11-08.

Allele frequency attached by ClinVar (database versions not stated): gnomAD 0.00001; TOPMed below 0.00001.
gnomAD v4.1: 1 of 1,611,824 alleles (0.000062%); highest among the groups gnomAD compares: Non-Finnish European, 0.000085%; no homozygotes.

Submissions (2):

Labcorp Genetics (formerly Invitae), Labcorp
Classification: Uncertain significance. Last evaluated: 2025-11-08. Review status: criteria provided, single submitter. Criteria: Invitae Variant Classification Sherloc (09022015). Collection method: clinical testing. Allele origin: germline.
Comment: This sequence change replaces proline, which is neutral and non-polar, with serine, which is neutral and polar, at codon 1413 of the COL11A1 protein (p.Pro1413Ser). This variant is not present in population databases (gnomAD no frequency). This variant has not been reported in the literature in individuals affected with COL11A1-related conditions. ClinVar contains an entry for this variant (Variation ID: 3252936). Invitae Evidence Modeling of protein sequence and biophysical properties (such as structural, functional, and spatial information, amino acid conservation, physicochemical variation, residue mobility, and thermodynamic stability) indicates that this missense variant is not expected to disrupt COL11A1 protein function with a negative predictive value of 80%. In summary, the available evidence is currently insufficient to determine the role of this variant in disease. Therefore, it has been classified as a Variant of Uncertain Significance.

GeneDx
Classification: Uncertain significance. Last evaluated: 2024-12-26. Review status: criteria provided, single submitter. Criteria: GeneDx Variant Classification Process June 2021. Collection method: clinical testing. Allele origin: germline.
Comment: Not observed at significant frequency in large population cohorts (gnomAD); In silico analysis supports that this missense variant has a deleterious effect on protein structure/function; Has not been previously published as pathogenic or benign to our knowledge

NM_001854.4(COL11A1):c.4237C>T (p.Pro1413Ser)

Gene: COL11A1 (collagen type XI alpha 1 chain; minus strand). Cytogenetic location: 1p21.1.
Variant type: single nucleotide variant.
Coding change: c.4237C>T on transcript NM_001854.4 (MANE Select); coding-DNA position 4237, C replaced by T.
Protein change: p.Pro1413Ser; replaces proline 1413 with serine.
Molecular consequence: missense variant. On other transcripts: non-coding transcript variant (1).
Genome position (GRCh38, 1-based): chr1:102,898,677, G>A on the plus strand (C>T on the coding strand, the complement: COL11A1 is on the minus strand). VCF-style: chr1-102898677-G-A. GRCh37 (hg19) VCF-style: chr1-103364233-G-A.
Other names: c.4120C>T, p.Pro1374Ser (NM_001190709.2); c.4273C>T, p.Pro1425Ser (NM_080629.3); c.3889C>T, p.Pro1297Ser (NM_080630.4); short protein forms P1297S, P1374S, P1413S, P1425S.
Identifiers: ClinVar variation 3252936 (VCV003252936.4), dbSNP rs1652759716.